The following is an entry in ClinVar:

ClinVar aggregate classification (germline): Uncertain significance (1 of 4 stars; one submission).

Allele frequency attached by ClinVar (database versions not stated): gnomAD exomes below 0.00001.
gnomAD v4.1: 3 of 1,613,800 alleles (0.00019%); highest among the groups gnomAD compares: Admixed American, 0.0017%; no homozygotes.

Submission:

Labcorp Genetics (formerly Invitae), Labcorp
Classification: Uncertain significance. Last evaluated: 2022-09-07. Review status: criteria provided, single submitter. Criteria: Invitae Variant Classification Sherloc (09022015). Collection method: clinical testing. Allele origin: germline.
Comment: In summary, the available evidence is currently insufficient to determine the role of this variant in disease. Therefore, it has been classified as a Variant of Uncertain Significance. Advanced modeling of protein sequence and biophysical properties (such as structural, functional, and spatial information, amino acid conservation, physicochemical variation, residue mobility, and thermodynamic stability) performed at Invitae indicates that this missense variant is not expected to disrupt MTOR protein function. ClinVar contains an entry for this variant (Variation ID: 844964). This variant has not been reported in the literature in individuals affected with MTOR-related conditions. This variant is present in population databases (no rsID available, gnomAD 0.003%). This sequence change replaces histidine, which is basic and polar, with arginine, which is basic and polar, at codon 642 of the MTOR protein (p.His642Arg).

NM_004958.4(MTOR):c.1925A>G (p.His642Arg)

Gene: MTOR (mechanistic target of rapamycin kinase; minus strand). Cytogenetic location: 1p36.22.
Variant type: single nucleotide variant.
Coding change: c.1925A>G on transcript NM_004958.4 (MANE Select); coding-DNA position 1925, A replaced by G.
Protein change: p.His642Arg; replaces histidine 642 with arginine.
Molecular consequence: missense variant.
Genome position (GRCh38, 1-based): chr1:11,238,479, T>C on the plus strand (A>G on the coding strand, the complement: MTOR is on the minus strand). VCF-style: chr1-11238479-T-C. GRCh37 (hg19) VCF-style: chr1-11298536-T-C.
Other names: short protein forms H642R.
Identifiers: ClinVar variation 844964 (VCV000844964.9), dbSNP rs891612995, ClinGen allele CA17939762.
Genomic context (GRCh38, chr1:11,238,479, plus strand): 5'-ACTACGAGCAGTTTGCTAAGCACATCTGCCACCACTTGCACTGCGGTCTGGCTAACCACA[T>C]GAGCATGGCCACTGATGAGGTGGATGGAGGGTGTGAGCAGGCGGGAGCAGGTGCGGGCAG-3'
Protein context (NP_004949.1, residues 632-652): PSIHLISGHA[His642Arg]VVSQTAVQVV